The following is an entry in ClinVar:

ClinVar aggregate classification (germline): Uncertain significance (1 of 4 stars; one submission).

Conditions:
Hereditary cancer-predisposing syndrome. Also called: Hereditary Cancer Syndrome; Hereditary neoplastic syndrome; Neoplastic Syndromes, Hereditary; Tumor predisposition. Identifiers: Orphanet 140162, MedGen C0027672, MeSH D009386, MONDO:0015356.

Submission:

Ambry Genetics
Classification: Uncertain significance for Hereditary cancer-predisposing syndrome. Last evaluated: 2022-02-24. Review status: criteria provided, single submitter. Criteria: Ambry Variant Classification Scheme 2023. Collection method: clinical testing. Allele origin: germline.
Comment: The p.R432P variant (also known as c.1295G>C), located in coding exon 10 of the POT1 gene, results from a G to C substitution at nucleotide position 1295. The arginine at codon 432 is replaced by proline, an amino acid with dissimilar properties. This amino acid position is conserved. In addition, this alteration is predicted to be deleterious by in silico analysis. Since supporting evidence is limited at this time, the clinical significance of this alteration remains unclear.

NM_015450.3(POT1):c.1295G>C (p.Arg432Pro)

Gene: POT1 (protection of telomeres 1; minus strand). Cytogenetic location: 7q31.33.
Variant type: single nucleotide variant.
Coding change: c.1295G>C on transcript NM_015450.3 (MANE Select); coding-DNA position 1295, G replaced by C.
Protein change: p.Arg432Pro; replaces arginine 432 with proline.
Molecular consequence: missense variant. On other transcripts: non-coding transcript variant (3).
Genome position (GRCh38, 1-based): chr7:124,841,047, C>G on the plus strand (G>C on the coding strand, the complement: POT1 is on the minus strand). VCF-style: chr7-124841047-C-G. GRCh37 (hg19) VCF-style: chr7-124481101-C-G.
Other names: c.902G>C, p.Arg301Pro (NM_001042594.2); short protein forms R301P, R432P.
Identifiers: ClinVar variation 1769194 (VCV001769194.2), dbSNP rs772590775, ClinGen allele CA369067036.
Genomic context (GRCh38, chr7:124,841,047, plus strand): 5'-AGACATTCATTTGAAAGCGGGAGAATACCATTATTTTTCACAAAATGAACTGCTACTTTT[C>G]GTCCTTTTTGATTTTTAGTGGTCCAGATTTTTGAATCATATAATGATGTATTTTGTAGCT-3'
Protein context (NP_056265.2, residues 422-442): KIWTTKNQKG[Arg432Pro]KVAVHFVKNN